The following is an entry in ClinVar:

ClinVar aggregate classification (germline): Uncertain significance. Review status: criteria provided, multiple submitters, no conflicts (2 of 4 stars). 2 submissions from 2 submitters: Uncertain significance (2). Last evaluated 2026-07-29.

Conditions:
Juvenile myelomonocytic leukemia (JMML). Also called: LEUKEMIA, JUVENILE MYELOMONOCYTIC, SOMATIC. Identifiers: Orphanet 86834, MedGen C0349639, MONDO:0011908, OMIM 607785, HP:0012209.
Cardiovascular phenotype. Identifiers: MedGen CN230736.
Hereditary cancer-predisposing syndrome. Also called: Hereditary neoplastic syndrome; Hereditary Cancer Syndrome; Neoplastic Syndromes, Hereditary; Tumor predisposition. Identifiers: Orphanet 140162, MedGen C0027672, MeSH D009386, MONDO:0015356.

Submissions (2):

Ambry Genetics
Classification: Uncertain significance for Cardiovascular phenotype; Hereditary cancer-predisposing syndrome. Last evaluated: 2026-07-29. Review status: criteria provided, single submitter. Criteria: Ambry Variant Classification Scheme 2023. Collection method: clinical testing. Allele origin: germline.
Comment: The p.D1955H variant (also known as c.5863G>C), located in coding exon 39 of the NF1 gene, results from a G to C substitution at nucleotide position 5863. The aspartic acid at codon 1955 is replaced by histidine, an amino acid with similar properties. This amino acid position is conserved. In addition, this alteration is predicted to be deleterious by in silico analysis. Since supporting evidence is limited at this time, the clinical significance of this alteration remains unclear.

Baylor Genetics
Classification: Uncertain significance for Juvenile myelomonocytic leukemia. Last evaluated: 2023-05-11. Review status: criteria provided, single submitter. Criteria: ACMG Guidelines, 2015. Collection method: clinical testing. Allele origin: unknown.

NM_001042492.3(NF1):c.5926G>C (p.Asp1976His)

Gene: NF1 (neurofibromin 1; plus strand). Cytogenetic location: 17q11.2.
Variant type: single nucleotide variant.
Coding change: c.5926G>C on transcript NM_001042492.3 (MANE Select); coding-DNA position 5926, G replaced by C.
Protein change: p.Asp1976His; replaces aspartic acid 1976 with histidine.
Molecular consequence: missense variant.
Genome position (GRCh38, 1-based): chr17:31,334,951, G>C. VCF-style: chr17-31334951-G-C. GRCh37 (hg19) VCF-style: chr17-29661969-G-C.
Other names: c.5863G>C, p.Asp1955His (NM_000267.4); short protein forms D1955H, D1976H.
Identifiers: ClinVar variation 2677220 (VCV002677220.3), dbSNP rs2151550547, ClinGen allele CA399010802.